The following is an entry in ClinVar:

ClinVar aggregate classification (germline): Uncertain significance (1 of 4 stars; one submission).

Conditions:
X-linked severe congenital neutropenia (SCNX). Identifiers: Orphanet 86788, MedGen C1845987, MONDO:0010294, OMIM 300299.
Thrombocytopenia 1. Also called: X-Linked Thrombocytopenia (XLT); X-linked thrombocytopenia with normal platelets; THROMBOCYTOPENIA, X-LINKED, 1. Identifiers: Orphanet 268322, Orphanet 852, MedGen C1839163, MONDO:0010743, OMIM 313900.
Wiskott-Aldrich syndrome (WAS). Also called: WISKOTT-ALDRICH SYNDROME 1; ALDRICH SYNDROME; IMMUNODEFICIENCY 2; Wiskott-aldrich syndrome, somatic. Identifiers: Orphanet 906, MedGen C0043194, MONDO:0010518, OMIM 301000.

Submission:

Labcorp Genetics (formerly Invitae), Labcorp
Classification: Uncertain significance for Wiskott-Aldrich syndrome; X-linked severe congenital neutropenia; Thrombocytopenia 1. Last evaluated: 2022-08-23. Review status: criteria provided, single submitter. Criteria: Invitae Variant Classification Sherloc (09022015). Collection method: clinical testing. Allele origin: germline.
Comment: This variant is not present in population databases (gnomAD no frequency). This sequence change replaces glutamine, which is neutral and polar, with proline, which is neutral and non-polar, at codon 437 of the WAS protein (p.Gln437Pro). This missense change has been observed in individual(s) with clinical features of Wiskott-Aldrich syndrome (Invitae). In summary, the available evidence is currently insufficient to determine the role of this variant in disease. Therefore, it has been classified as a Variant of Uncertain Significance. Experimental studies and prediction algorithms are not available or were not evaluated, and the functional significance of this variant is currently unknown. ClinVar contains an entry for this variant (Variation ID: 836794).

NM_000377.3(WAS):c.1310A>C (p.Gln437Pro)

Gene: WAS (WASP actin nucleation promoting factor; plus strand). Cytogenetic location: Xp11.23.
Variant type: single nucleotide variant.
Coding change: c.1310A>C on transcript NM_000377.3 (MANE Select); coding-DNA position 1310, A replaced by C.
Protein change: p.Gln437Pro; replaces glutamine 437 with proline.
Molecular consequence: missense variant.
Genome position (GRCh38, 1-based): chrX:48,689,038, A>C. VCF-style: chrX-48689038-A-C. GRCh37 (hg19) VCF-style: chrX-48547427-A-C.
Other names: short protein forms Q437P.
Identifiers: ClinVar variation 836794 (VCV000836794.9), dbSNP rs2062431125, ClinGen allele CA412873694.